The following is an entry in ClinVar:

ClinVar aggregate classification (germline): Uncertain significance (1 of 4 stars; one submission).

Allele frequency attached by ClinVar (database versions not stated): gnomAD exomes below 0.00001.
gnomAD v4.1: 1 of 1,606,122 alleles (0.000062%); highest among the groups gnomAD compares: Non-Finnish European, 0.000085%; no homozygotes.

Submission:

Labcorp Genetics (formerly Invitae), Labcorp
Classification: Uncertain significance. Last evaluated: 2025-11-04. Review status: criteria provided, single submitter. Criteria: Invitae Variant Classification Sherloc (09022015). Collection method: clinical testing. Allele origin: germline.
Comment: This sequence change replaces proline, which is neutral and non-polar, with serine, which is neutral and polar, at codon 1318 of the COL4A1 protein (p.Pro1318Ser). This variant is not present in population databases (gnomAD no frequency). This variant has not been reported in the literature in individuals affected with COL4A1-related conditions. ClinVar contains an entry for this variant (Variation ID: 1445963). An algorithm developed to predict the effect of missense changes on protein structure and function (PolyPhen-2) suggests that this variant is likely to be tolerated. In summary, the available evidence is currently insufficient to determine the role of this variant in disease. Therefore, it has been classified as a Variant of Uncertain Significance.

NM_001845.6(COL4A1):c.3952C>T (p.Pro1318Ser)

Gene: COL4A1 (collagen type IV alpha 1 chain; minus strand). Cytogenetic location: 13q34.
Variant type: single nucleotide variant.
Coding change: c.3952C>T on transcript NM_001845.6 (MANE Select); coding-DNA position 3952, C replaced by T.
Protein change: p.Pro1318Ser; replaces proline 1318 with serine.
Molecular consequence: missense variant.
Genome position (GRCh38, 1-based): chr13:110,166,301, G>A on the plus strand (C>T on the coding strand, the complement: COL4A1 is on the minus strand). VCF-style: chr13-110166301-G-A. GRCh37 (hg19) VCF-style: chr13-110818648-G-A.
Other names: short protein forms P1318S.
Identifiers: ClinVar variation 1445963 (VCV001445963.8), dbSNP rs1877334157, ClinGen allele CA388660735.